The following is an entry in ClinVar:

NM_138694.4(PKHD1):c.3874A>T (p.Thr1292Ser)

Gene: PKHD1 (PKHD1 ciliary IPT domain containing fibrocystin/polyductin; minus strand). Cytogenetic location: 6p12.2.
Variant type: single nucleotide variant.
Coding change: c.3874A>T on transcript NM_138694.4 (MANE Select); coding-DNA position 3874, A replaced by T.
Protein change: p.Thr1292Ser; replaces threonine 1292 with serine.
Molecular consequence: missense variant.
Genome position (GRCh38, 1-based): chr6:52,025,936, T>A on the plus strand (A>T on the coding strand, the complement: PKHD1 is on the minus strand). VCF-style: chr6-52025936-T-A. GRCh37 (hg19) VCF-style: chr6-51890734-T-A.
Other names: p.Thr1292Ser; c.3874A>T, p.Thr1292Ser (NM_170724.3); short protein forms T1292S.
Identifiers: ClinVar variation 2682928 (VCV002682928.1), dbSNP rs1581812675, ClinGen allele CA364437219.
Genomic context (GRCh38, chr6:52,025,936, plus strand): 5'-TTGTGATTTCTCCTTGCATGGCAGTGACTACTGGTGTTGCTGCCGCTTCATACATGAAGG[T>A]GAAGCCTTTCCCCACCAAGCTTGGTGAAGGACCACGGGCGAAGAACCTGTTGCCAGCCCA-3'
Protein context (NP_619639.3, residues 1282-1302): PSPSLVGKGF[Thr1292Ser]FMYEAAATPV

ClinVar aggregate classification (germline): Uncertain significance (1 of 4 stars; one submission).

Allele frequency attached by ClinVar (database versions not stated): gnomAD exomes below 0.00001.
gnomAD v4.1: 1 of 1,614,134 alleles (0.000062%); highest among the groups gnomAD compares: Non-Finnish European, 0.000085%; no homozygotes.

Submission:

Mayo Clinic Laboratories, Mayo Clinic
Classification: Uncertain significance. Last evaluated: 2023-02-10. Review status: criteria provided, single submitter. Criteria: ACMG Guidelines, 2015. Collection method: clinical testing. Allele origin: germline. Observed: 1 variant allele.
Comment: PM2